The following is an entry in ClinVar:

NM_000020.3(ACVRL1):c.523G>A (p.Gly175Arg)

Gene: ACVRL1 (activin A receptor like type 1; plus strand). Cytogenetic location: 12q13.13.
Variant type: single nucleotide variant.
Coding change: c.523G>A on transcript NM_000020.3 (MANE Select); coding-DNA position 523, G replaced by A.
Protein change: p.Gly175Arg; replaces glycine 175 with arginine.
Molecular consequence: missense variant. On other transcripts: intron variant (6).
Genome position (GRCh38, 1-based): chr12:51,913,768, G>A. VCF-style: chr12-51913768-G-A. GRCh37 (hg19) VCF-style: chr12-52307552-G-A.
Other names: c.523G>A, p.Gly175Arg (NM_001077401.2, NM_001406487.1, NM_001406488.1 and 1 more transcripts); c.313+418G>A (NM_001406491.1, NM_001406490.1, NM_001406492.1 and 2 more transcripts); c.62-671G>A (NM_001406495.1); short protein forms G175R.
Identifiers: ClinVar variation 5032760 (VCV005032760.1).
Genomic context (GRCh38, chr12:51,913,768, plus strand): 5'-AGCGAGCTGGGAGAGTCCAGTCTCATCCTGAAAGCATCTGAGCAGGGCGACAGCATGTTG[G>A]GGGTATGGGCCTGGGGACCTGGGACACAGGGTGTAGGAGGGGCAGATAGGAACTGCAGAA-3'
Protein context (NP_000011.2, residues 165-185): KASEQGDSML[Gly175Arg]DLLDSDCTTG

ClinVar aggregate classification (germline): Uncertain significance (1 of 4 stars; one submission).

Conditions:
Cardiovascular phenotype. Identifiers: MedGen CN230736.

gnomAD v4.1: 2 of 1,611,344 alleles (0.00012%); highest among the groups gnomAD compares: South Asian, 0.0011%; no homozygotes.

Submission:

Ambry Genetics
Classification: Uncertain significance for Cardiovascular phenotype. Last evaluated: 2026-08-31. Review status: criteria provided, single submitter. Criteria: Ambry Variant Classification Scheme 2023. Collection method: clinical testing. Allele origin: germline.
Comment: The p.G175R variant (also known as c.523G>A), located in coding exon 3 of the ACVRL1 gene, results from a G to A substitution at nucleotide position 523. The glycine at codon 175 is replaced by arginine, an amino acid with dissimilar properties. This amino acid position is conserved. In addition, the in silico prediction for this alteration is inconclusive. Based on the available evidence, the clinical significance of this variant remains unclear.